The following is an entry in ClinVar:

NM_003638.3(ITGA8):c.3079G>A (p.Ala1027Thr)

Gene: ITGA8 (integrin subunit alpha 8; minus strand). Cytogenetic location: 10p13.
Variant type: single nucleotide variant.
Coding change: c.3079G>A on transcript NM_003638.3 (MANE Select); coding-DNA position 3079, G replaced by A.
Protein change: p.Ala1027Thr; replaces alanine 1027 with threonine.
Molecular consequence: missense variant.
Genome position (GRCh38, 1-based): chr10:15,519,316, C>T on the plus strand (G>A on the coding strand, the complement: ITGA8 is on the minus strand). VCF-style: chr10-15519316-C-T. GRCh37 (hg19) VCF-style: chr10-15561315-C-T.
Other names: c.3079G>A (NM_003638.1, NM_003638.2); c.3034G>A, p.Ala1012Thr (NM_001291494.2); short protein forms A1027T, A1012T.
Identifiers: ClinVar variation 2065706 (VCV002065706.6), dbSNP rs150922478, ClinGen allele CA5419626.

ClinVar aggregate classification (germline): Conflicting classifications of pathogenicity. Review status: criteria provided, conflicting classifications (1 of 4 stars). 3 submissions from 3 submitters: Uncertain significance (1); Likely benign (2). Last evaluated 2026-01-27.

Conditions:
Inborn genetic diseases. Identifiers: MedGen C0950123, MeSH D030342.
ITGA8-related disorder. Also called: ITGA8-related condition.

Allele frequency attached by ClinVar (database versions not stated): ESP Exome Variant Server 0.00038; TOPMed 0.00040; gnomAD exomes 0.00046; gnomAD 0.00053; ExAC 0.00061.
gnomAD v4.1: 747 of 1,613,460 alleles (0.046%); highest among the groups gnomAD compares: Non-Finnish European, 0.041%; 1 homozygote.

Submissions (3):

Labcorp Genetics (formerly Invitae), Labcorp
Classification: Likely benign. Last evaluated: 2026-01-27. Review status: criteria provided, single submitter. Criteria: Invitae Variant Classification Sherloc (09022015). Collection method: clinical testing. Allele origin: germline.

PreventionGenetics, part of Exact Sciences
Classification: Likely benign for ITGA8-related condition. Last evaluated: 2024-12-27. Review status: criteria provided, single submitter. Criteria: ACMG Guidelines, 2015. Collection method: clinical testing. Allele origin: germline.
Comment: This variant is classified as likely benign based on ACMG/AMP sequence variant interpretation guidelines (Richards et al. 2015 PMID: 25741868, with internal and published modifications).

Ambry Genetics
Classification: Uncertain significance for Inborn genetic diseases. Last evaluated: 2021-08-02. Review status: criteria provided, single submitter. Criteria: Ambry Variant Classification Scheme 2023. Collection method: clinical testing. Allele origin: germline.